The following is an entry in ClinVar:

NM_000187.4(HGD):c.914C>T (p.Ser305Phe)

Gene: HGD (homogentisate 1,2-dioxygenase; minus strand). Cytogenetic location: 3q13.33.
Variant type: single nucleotide variant.
Coding change: c.914C>T on transcript NM_000187.4 (MANE Select); coding-DNA position 914, C replaced by T.
Protein change: p.Ser305Phe; replaces serine 305 with phenylalanine.
Molecular consequence: missense variant.
Genome position (GRCh38, 1-based): chr3:120,638,547, G>A on the plus strand (C>T on the coding strand, the complement: HGD is on the minus strand). VCF-style: chr3-120638547-G-A. GRCh37 (hg19) VCF-style: chr3-120357394-G-A.
Other names: short protein forms S305F.
Identifiers: ClinVar variation 2627699 (VCV002627699.1), dbSNP rs2472671164, ClinGen allele CA354073667.

ClinVar aggregate classification (germline): Pathogenic (0 of 4 stars; one submission).

Conditions:
Alkaptonuria (AKU). Also called: Alkaptonuric ochronosis; Homogentisic acidura; Alcaptonuria; HOMOGENTISIC ACID OXIDASE DEFICIENCY. Identifiers: Orphanet 56, MedGen C0002066, MONDO:0008753, OMIM 203500.

Submission:

Department Of Human Genetics, Institute Of Clinical And Translational Research, Biomedical Research Center, Slovak Academy Of Sciences
Classification: Pathogenic for Alkaptonuria. Review status: no assertion criteria provided. Collection method: research. Allele origin: germline. Inheritance: Autosomal recessive inheritance. Affected: yes. Observed: 1 variant allele.
Comment: The variant was originally described in AKU patient in PMID:12501223. It has been submitted to the HGD gene mutation database (DB-ID: AKU_00084).

Literature cited by the submitters: PubMed 12501223.